The following is an entry in ClinVar:

ClinVar aggregate classification (germline): Uncertain significance (1 of 4 stars; one submission).

Submission:

Labcorp Genetics (formerly Invitae), Labcorp
Classification: Uncertain significance. Last evaluated: 2023-07-25. Review status: criteria provided, single submitter. Criteria: Invitae Variant Classification Sherloc (09022015). Collection method: clinical testing. Allele origin: germline.
Comment: Advanced modeling of protein sequence and biophysical properties (such as structural, functional, and spatial information, amino acid conservation, physicochemical variation, residue mobility, and thermodynamic stability) performed at Invitae indicates that this missense variant is expected to disrupt SEMA4A protein function. This variant has not been reported in the literature in individuals affected with SEMA4A-related conditions. This variant is not present in population databases (gnomAD no frequency). This sequence change replaces tyrosine, which is neutral and polar, with serine, which is neutral and polar, at codon 354 of the SEMA4A protein (p.Tyr354Ser). In summary, the available evidence is currently insufficient to determine the role of this variant in disease. Therefore, it has been classified as a Variant of Uncertain Significance.

NM_022367.4(SEMA4A):c.1061A>C (p.Tyr354Ser)

Gene: SEMA4A (semaphorin 4A; plus strand). Cytogenetic location: 1q22.
Variant type: single nucleotide variant.
Coding change: c.1061A>C on transcript NM_022367.4 (MANE Select); coding-DNA position 1061, A replaced by C.
Protein change: p.Tyr354Ser; replaces tyrosine 354 with serine.
Molecular consequence: missense variant.
Genome position (GRCh38, 1-based): chr1:156,163,021, A>C. VCF-style: chr1-156163021-A-C. GRCh37 (hg19) VCF-style: chr1-156132812-A-C.
Other names: c.1061A>C, p.Tyr354Ser (NM_001193300.2, NM_001193301.2, NM_001370567.1); c.665A>C, p.Tyr222Ser (NM_001193302.2); c.764A>C, p.Tyr255Ser (NM_001370568.1); c.554A>C, p.Tyr185Ser (NM_001370569.1, NM_001370571.1); short protein forms Y185S, Y255S, Y222S, Y354S.
Identifiers: ClinVar variation 2863283 (VCV002863283.3), dbSNP rs1653811313, ClinGen allele CA342840561.